The following is an entry in ClinVar:

ClinVar aggregate classification (germline): Uncertain significance (1 of 4 stars; one submission).

Conditions:
Hereditary spastic paraplegia 39 (SPG39). Also called: SPASTIC PARAPLEGIA 39, AUTOSOMAL RECESSIVE; Spastic Paraplegia Type 39 (SPG39). Identifiers: Orphanet 139480, MedGen C2677586, MONDO:0012787, OMIM 612020.

Submission:

Labcorp Genetics (formerly Invitae), Labcorp
Classification: Uncertain significance for Hereditary spastic paraplegia 39. Last evaluated: 2022-09-19. Review status: criteria provided, single submitter. Criteria: Invitae Variant Classification Sherloc (09022015). Collection method: clinical testing. Allele origin: germline.
Comment: This sequence change replaces methionine, which is neutral and non-polar, with valine, which is neutral and non-polar, at codon 748 of the PNPLA6 protein (p.Met748Val). This variant is not present in population databases (gnomAD no frequency). This variant has not been reported in the literature in individuals affected with PNPLA6-related conditions. ClinVar contains an entry for this variant (Variation ID: 1347653). Algorithms developed to predict the effect of missense changes on protein structure and function (SIFT, PolyPhen-2, Align-GVGD) all suggest that this variant is likely to be tolerated. In summary, the available evidence is currently insufficient to determine the role of this variant in disease. Therefore, it has been classified as a Variant of Uncertain Significance.

NM_001166114.2(PNPLA6):c.2356A>G (p.Met786Val)

Gene: PNPLA6 (patatin like domain 6, lysophospholipase; plus strand). Cytogenetic location: 19p13.2.
Variant type: single nucleotide variant.
Coding change: c.2356A>G on transcript NM_001166114.2 (MANE Select); coding-DNA position 2356, A replaced by G.
Protein change: p.Met786Val; replaces methionine 786 with valine.
Molecular consequence: missense variant.
Genome position (GRCh38, 1-based): chr19:7,553,970, A>G. VCF-style: chr19-7553970-A-G. GRCh37 (hg19) VCF-style: chr19-7618856-A-G.
Other names: c.2386A>G, p.Met796Val (NM_001166111.2); c.2161A>G, p.Met721Val (NM_001166112.2); c.2242A>G, p.Met748Val (NM_001166113.1, NM_006702.5); short protein forms M786V, M796V, M721V, M748V.
Identifiers: ClinVar variation 1347653 (VCV001347653.3), dbSNP rs2146099595, ClinGen allele CA403126701.